The following is an entry in ClinVar:

ClinVar aggregate classification (germline): Uncertain significance. Review status: criteria provided, multiple submitters, no conflicts (2 of 4 stars). 2 submissions from 2 submitters: Uncertain significance (2). Last evaluated 2025-12-16.

gnomAD v4.1: 26 of 1,610,522 alleles (0.0016%); highest among the groups gnomAD compares: Admixed American, 0.015%; no homozygotes.

Submissions (2):

Ambry Genetics
Classification: Uncertain significance. Last evaluated: 2025-12-16. Review status: criteria provided, single submitter. Criteria: Ambry Variant Classification Scheme 2023. Collection method: clinical testing. Allele origin: germline.

Labcorp Genetics (formerly Invitae), Labcorp
Classification: Uncertain significance. Last evaluated: 2025-08-04. Review status: criteria provided, single submitter. Criteria: Invitae Variant Classification Sherloc (09022015). Collection method: clinical testing. Allele origin: germline.
Comment: This sequence change replaces alanine, which is neutral and non-polar, with glycine, which is neutral and non-polar, at codon 465 of the TRAP1 protein (p.Ala465Gly). This variant is present in population databases (rs200472693, gnomAD 0.006%). This variant has not been reported in the literature in individuals affected with TRAP1-related conditions. ClinVar contains an entry for this variant (Variation ID: 3181919). Invitae Evidence Modeling of protein sequence and biophysical properties (such as structural, functional, and spatial information, amino acid conservation, physicochemical variation, residue mobility, and thermodynamic stability) indicates that this missense variant is not expected to disrupt TRAP1 protein function with a negative predictive value of 80%. In summary, the available evidence is currently insufficient to determine the role of this variant in disease. Therefore, it has been classified as a Variant of Uncertain Significance.

NM_016292.3(TRAP1):c.1394C>G (p.Ala465Gly)

Genes: DNASE1 (deoxyribonuclease 1; plus strand), TRAP1 (TNF receptor associated protein 1; minus strand). Cytogenetic location: 16p13.3.
Variant type: single nucleotide variant.
Coding change: c.1394C>G on transcript NM_016292.3 (MANE Select); coding-DNA position 1394, C replaced by G.
Protein change: p.Ala465Gly; replaces alanine 465 with glycine.
Molecular consequence: missense variant. On other transcripts: 3 prime UTR variant (1).
Genome position (GRCh38, 1-based): chr16:3,664,449, G>C on the plus strand (C>G on the coding strand, the complement: TRAP1 is on the minus strand). VCF-style: chr16-3664449-G-C. GRCh37 (hg19) VCF-style: chr16-3714450-G-C.
Other names: c.1235C>G, p.Ala412Gly (NM_001272049.2); c.*1825G>C (NM_001387140.1); short protein forms A412G, A465G.
Identifiers: ClinVar variation 3181919 (VCV003181919.4), dbSNP rs200472693, ClinGen allele CA7868099.